The following is an entry in ClinVar:

NM_182961.4(SYNE1):c.4411G>A (p.Ala1471Thr)

Gene: SYNE1 (spectrin repeat containing nuclear envelope protein 1; minus strand). Cytogenetic location: 6q25.2.
Variant type: single nucleotide variant.
Coding change: c.4411G>A on transcript NM_182961.4 (MANE Select); coding-DNA position 4411, G replaced by A.
Protein change: p.Ala1471Thr; replaces alanine 1471 with threonine.
Molecular consequence: missense variant.
Genome position (GRCh38, 1-based): chr6:152,433,845, C>T on the plus strand (G>A on the coding strand, the complement: SYNE1 is on the minus strand). VCF-style: chr6-152433845-C-T. GRCh37 (hg19) VCF-style: chr6-152754980-C-T.
Other names: c.4432G>A, p.Ala1478Thr (NM_033071.5); short protein forms A1478T, A1471T.
Identifiers: ClinVar variation 471047 (VCV000471047.6), dbSNP rs1350630909, ClinGen allele CA366143578.

ClinVar aggregate classification (germline): Uncertain significance (1 of 4 stars; one submission).

Conditions:
Emery-Dreifuss muscular dystrophy 4, autosomal dominant (EDMD4). Also called: EMERY-DREIFUSS MUSCULAR DYSTROPHY 4 WITH VARIABLE FEATURES. Identifiers: Orphanet 261, MedGen C2751807, MONDO:0013071, OMIM 612998.
Autosomal recessive ataxia, Beauce type. Also called: SYNE1-Related Autosomal Recessive Cerebellar Ataxia; Spinocerebellar ataxia, autosomal recessive 8; ATAXIA, RECESSIVE, OF BEAUCE; SYNE1 Deficiency. Identifiers: Orphanet 88644, MedGen C1853116, MONDO:0012549, OMIM 610743.

Allele frequency attached by ClinVar (database versions not stated): gnomAD exomes below 0.00001; TOPMed 0.00001.
gnomAD v4.1: 2 of 1,613,878 alleles (0.00012%); highest among the groups gnomAD compares: Admixed American, 0.0017%; no homozygotes.

Submission:

Labcorp Genetics (formerly Invitae), Labcorp
Classification: Uncertain significance for Emery-Dreifuss muscular dystrophy 4, autosomal dominant; Autosomal recessive ataxia, Beauce type. Last evaluated: 2025-04-14. Review status: criteria provided, single submitter. Criteria: Invitae Variant Classification Sherloc (09022015). Collection method: clinical testing. Allele origin: germline.
Comment: This sequence change replaces alanine, which is neutral and non-polar, with threonine, which is neutral and polar, at codon 1478 of the SYNE1 protein (p.Ala1478Thr). This variant is not present in population databases (gnomAD no frequency). This variant has not been reported in the literature in individuals affected with SYNE1-related conditions. ClinVar contains an entry for this variant (Variation ID: 471047). An algorithm developed to predict the effect of missense changes on protein structure and function (PolyPhen-2) suggests that this variant is likely to be tolerated. In summary, the available evidence is currently insufficient to determine the role of this variant in disease. Therefore, it has been classified as a Variant of Uncertain Significance.